The following is an entry in ClinVar:

NM_005986.3(SOX1):c.1051G>A (p.Gly351Ser)

Genes: SOX1 (SRY-box transcription factor 1; plus strand), SOX1-OT (SOX1 overlapping transcript; plus strand). Cytogenetic location: 13q34.
Variant type: single nucleotide variant.
Coding change: c.1051G>A on transcript NM_005986.3 (MANE Select); coding-DNA position 1051, G replaced by A.
Protein change: p.Gly351Ser; replaces glycine 351 with serine.
Molecular consequence: missense variant.
Genome position (GRCh38, 1-based): chr13:112,068,709, G>A. VCF-style: chr13-112068709-G-A. GRCh37 (hg19) VCF-style: chr13-112723023-G-A.
Other names: short protein forms G351S.
Identifiers: ClinVar variation 2381354 (VCV002381354.5), dbSNP rs573646259, ClinGen allele CA7054769.

ClinVar aggregate classification (germline): Uncertain significance. Review status: criteria provided, single submitter (1 of 4 stars). 2 submissions from 2 submitters: Uncertain significance (1). 1 of the submissions does not count toward it. Last evaluated 2025-07-31.

Conditions:
SOX1-related disorder. Also called: SOX1-related condition.

Allele frequency attached by ClinVar (database versions not stated): TOPMed 0.00062; gnomAD 0.00073; 1000 Genomes Project 30x 0.00109; ExAC 0.25000; gnomAD exomes 0.00008; 1000 Genomes Project 0.00040.

Submissions (2):

Ambry Genetics
Classification: Uncertain significance. Last evaluated: 2025-07-31. Review status: criteria provided, single submitter. Criteria: Ambry Variant Classification Scheme 2023. Collection method: clinical testing. Allele origin: germline.

PreventionGenetics, part of Exact Sciences
Classification: Likely benign for SOX1-related condition. Last evaluated: 2020-09-25. Review status: no assertion criteria provided. Collection method: clinical testing. Allele origin: germline. Not counted in ClinVar's aggregate classification.
Comment: This variant is classified as likely benign based on ACMG/AMP sequence variant interpretation guidelines (Richards et al. 2015 PMID: 25741868, with internal and published modifications).